The following is an entry in ClinVar:

ClinVar aggregate classification (germline): Benign/Likely benign. Review status: criteria provided, multiple submitters, no conflicts (2 of 4 stars). 18 submissions from 18 submitters: Benign (3); Likely benign (9). 6 of the submissions do not count toward it. Last evaluated 2026-02-03.

Conditions:
STK11-related disorder. Also called: STK11-related condition.
Breast and/or ovarian cancer. Identifiers: MedGen CN221562.
Hereditary cancer-predisposing syndrome. Also called: Neoplastic Syndromes, Hereditary; Hereditary Cancer Syndrome; Tumor predisposition; Hereditary neoplastic syndrome. Identifiers: Orphanet 140162, MedGen C0027672, MeSH D009386, MONDO:0015356.
Endometrial carcinoma. Also called: Endometrial carcinoma, somatic. Identifiers: MedGen C0476089, MONDO:0002447, OMIM 608089, HP:0012114.
Peutz-Jeghers syndrome (PJS). Also called: POLYPOSIS, HAMARTOMATOUS INTESTINAL; POLYPS-AND-SPOTS SYNDROME; Peutz-Jeghers polyposis; Periorificial lentiginosis syndrome. Identifiers: Orphanet 2869, MedGen C0031269, MeSH D010580, MONDO:0008280, OMIM 175200.

Allele frequency attached by ClinVar (database versions not stated): TOPMed 0.00003; gnomAD exomes 0.00006; gnomAD 0.00007 and 0.00008; ESP Exome Variant Server 0.00008; ExAC 0.00016.

Submissions (18):

Labcorp Genetics (formerly Invitae), Labcorp
Classification: Likely benign for Peutz-Jeghers syndrome. Last evaluated: 2026-02-03. Review status: criteria provided, single submitter. Criteria: Invitae Variant Classification Sherloc (09022015). Collection method: clinical testing. Allele origin: germline.

Center for Genomic Medicine, Rigshospitalet, Copenhagen University Hospital
Classification: Likely benign. Last evaluated: 2025-03-04. Review status: criteria provided, single submitter. Criteria: ACMG Guidelines, 2015. Collection method: clinical testing. Allele origin: germline.

Blueprint Genetics
Classification: Likely benign. Last evaluated: 2024-11-20. Review status: criteria provided, single submitter. Criteria: ACMG Guidelines, 2015. Collection method: clinical testing. Allele origin: germline.

Women's Health and Genetics/Laboratory Corporation of America, LabCorp
Classification: Benign. Last evaluated: 2024-05-20. Review status: criteria provided, single submitter. Criteria: LabCorp Variant Classification Summary - May 2015. Collection method: clinical testing. Allele origin: germline.
Comment: Variant summary: STK11 c.598-7G>A alters a non-conserved nucleotide located close to a canonical splice site and therefore could affect mRNA splicing, leading to a significantly altered protein sequence. Consensus agreement among computation tools predict no significant impact on normal splicing. However, these predictions have yet to be confirmed by functional studies. The variant allele was found at a frequency of 6.1e-05 in 196798 control chromosomes. The observed variant frequency is approximately 10 fold of the estimated maximal expected allele frequency for a pathogenic variant in STK11 causing Peutz-Jeghers Syndrome phenotype (6.3e-06), strongly suggesting that the variant is benign. To our knowledge, no occurrence of c.598-7G>A in individuals affected with Peutz-Jeghers Syndrome and no experimental evidence demonstrating its impact on protein function have been reported. ClinVar contains an entry for this variant (Variation ID: 215740). Based on the evidence outlined above, the variant was classified as benign.

All of Us Research Program, National Institutes of Health
Classification: Likely benign for Peutz-Jeghers syndrome. Last evaluated: 2023-11-30. Review status: criteria provided, single submitter. Criteria: ACMG Guidelines, 2015. Collection method: clinical testing. Allele origin: germline. Inheritance: Autosomal dominant inheritance. Observed: 16 variant alleles, 16 heterozygotes.
Comment: This study involves interpretation of variants in research participants for the purpose of population health screening. Participant phenotype was not available at the time of variant classification. Additional details can be found in publication PMID: 35346344, PMCID: PMC8962531

Myriad Genetics, Inc.
Classification: Likely benign for Peutz-Jeghers syndrome. Last evaluated: 2023-04-12. Review status: criteria provided, single submitter. Criteria: Myriad Autosomal Dominant, Autosomal Recessive and X-Linked Classification Criteria (2023). Collection method: clinical testing. Allele origin: unknown.
Comment: This variant is considered likely benign. This variant is intronic and is not expected to impact mRNA splicing.

Quest Diagnostics Nichols Institute San Juan Capistrano
Classification: Benign. Last evaluated: 2023-01-16. Review status: criteria provided, single submitter. Criteria: Quest Diagnostics criteria. Collection method: clinical testing. Allele origin: unknown.

CHEO Genetics Diagnostic Laboratory, Children's Hospital of Eastern Ontario
Classification: Likely benign for Breast and/or ovarian cancer. Last evaluated: 2022-09-30. Review status: criteria provided, single submitter. Criteria: ACMG Guidelines, 2015. Collection method: clinical testing. Allele origin: germline.

Genome-Nilou Lab
Classification: Likely benign for Peutz-Jeghers syndrome. Last evaluated: 2021-07-15. Review status: criteria provided, single submitter. Criteria: ACMG Guidelines, 2015. Collection method: clinical testing. Allele origin: germline. Affected: no.

Color Diagnostics, LLC DBA Color Health
Classification: Likely benign for Hereditary cancer-predisposing syndrome. Last evaluated: 2015-10-29. Review status: criteria provided, single submitter. Criteria: ACMG Guidelines, 2015. Collection method: clinical testing. Allele origin: germline.

GeneDx
Classification: Benign. Last evaluated: 2015-03-03. Review status: criteria provided, single submitter. Criteria: GeneDx Variant Classification Process June 2021. Collection method: clinical testing. Allele origin: germline. Affected: yes.

Ambry Genetics
Classification: Likely benign for Hereditary cancer-predisposing syndrome. Last evaluated: 2014-12-11. Review status: criteria provided, single submitter. Criteria: Ambry Variant Classification Scheme 2023. Collection method: clinical testing. Allele origin: germline.

PreventionGenetics, part of Exact Sciences
Classification: Likely benign for STK11-related condition. Last evaluated: 2023-10-25. Review status: no assertion criteria provided. Collection method: clinical testing. Allele origin: germline. Not counted in ClinVar's aggregate classification.
Comment: This variant is classified as likely benign based on ACMG/AMP sequence variant interpretation guidelines (Richards et al. 2015 PMID: 25741868, with internal and published modifications).

Counsyl
Classification: Likely benign for Peutz-Jeghers syndrome. Last evaluated: 2016-08-10. Review status: no assertion criteria provided. Collection method: clinical testing. Allele origin: unknown. Not counted in ClinVar's aggregate classification.

Clinical Genetics Laboratory, Department of Pathology, Netherlands Cancer Institute
Classification: Likely benign. Review status: no assertion criteria provided. Collection method: clinical testing. Allele origin: germline. Affected: yes. Study: VKGL Data-share Consensus. Not counted in ClinVar's aggregate classification.

Clinical Genetics, Academic Medical Center
Classification: Likely benign. Review status: no assertion criteria provided. Collection method: clinical testing. Allele origin: germline. Affected: yes. Study: VKGL Data-share Consensus. Not counted in ClinVar's aggregate classification.

Department of Pathology and Laboratory Medicine, Sinai Health System
Classification: Likely benign for Endometrial carcinoma. Review status: no assertion criteria provided. Collection method: clinical testing. Allele origin: unknown. Affected: yes. Study: The Canadian Open Genetics Repository (COGR). Not counted in ClinVar's aggregate classification.
Comment: The STK11 c.598-7G>A variant was not identified in the literature nor was it identified in MutDB, Zhejiang University Database or Insight Hereditary Tumors Database. The variant was identified in dbSNP (ID: rs377502057) â€šÃ„ÃºWith Likely benign alleleâ€šÃ„Ã¹, ClinVar (classified as likely benign by Invitae, Counsyl, Quest Diagnostics Nichols Institute San Juan Capistrano, and Color Genomics Inc.), Cosmic (1x in a carcinoma of the prostate), and LOVD 3.0 (1x). The variant was also identified in control databases in 17 of 223852 chromosomes at a frequency of 0.00008 (Genome Aggregation Database Feb 27, 2017); the variant was observed in the following populations: European Non-Finnish in 14 of 97910 chromosomes (freq: 0.0001), Latino in 1 of 29348 chromosomes (freq: 0.00003), and South Asian in 2 of 26370 chromosomes (freq: 0.00008), while not observed in the African, Other, Ashkenazi Jewish, East Asian or Finnish populations. The c.598-7G>A variant is located in the 3' splice region but does not affect the invariant -1 and -2 positions. Although positions -3 and -5 to -12 are part of the splicing consensus sequence and variants involving these positions sometimes affect splicing, in silico or computational prediction software programs (SpliceSiteFinder, MaxEntScan, NNSPLICE, GeneSplicer) do not predict a difference in splicing. In summary, based on the above information, the clinical significance of this variant cannot be determined with certainty at this time although we would lean towards a more benign role for this variant. This variant is classified as likely benign.

Genome Diagnostics Laboratory, Amsterdam University Medical Center
Classification: Likely benign. Review status: no assertion criteria provided. Collection method: clinical testing. Allele origin: germline. Affected: yes. Study: VKGL Data-share Consensus. Not counted in ClinVar's aggregate classification.

NM_000455.5(STK11):c.598-7G>A

Gene: STK11 (serine/threonine kinase 11; plus strand). Cytogenetic location: 19p13.3.
Variant type: single nucleotide variant.
Coding change: c.598-7G>A on transcript NM_000455.5 (MANE Select); 7 bases into the intron before coding-DNA position 598, G replaced by A.
Molecular consequence: intron variant.
Genome position (GRCh38, 1-based): chr19:1,220,574, G>A. VCF-style: chr19-1220574-G-A. GRCh37 (hg19) VCF-style: chr19-1220573-G-A.
Identifiers: ClinVar variation 215740 (VCV000215740.42), dbSNP rs377502057, ClinGen allele CA048309.